The following is an entry in ClinVar:

NM_000051.4(ATM):c.6976-6dup

Genes: ATM (ATM serine/threonine kinase; plus strand), C11orf65 (chromosome 11 open reading frame 65; minus strand). Cytogenetic location: 11q22.3.
Variant type: Duplication.
Coding change: c.6976-6dup on transcript NM_000051.4 (MANE Select); 6 bases into the intron before coding-DNA position 6976, one base duplicated (A; older notation c.6976-6dupA).
Molecular consequence: intron variant.
Genome position (GRCh38, 1-based): chr11:108,327,639, A duplicated. VCF-style (leftmost placement, unchanged base first): chr11-108327638-T-TA. GRCh37 (hg19) VCF-style: chr11-108198365-T-TA.
Other names: c.6976-6dupA (NM_000051.3); c.6976-6dup (NM_001351834.2); c.641-18568dup (NM_001330368.2); c.*38+7581dup (NM_001351110.2).
Identifiers: ClinVar variation 414531 (VCV000414531.15), dbSNP rs760058702, ClinGen allele CA6266049.

ClinVar aggregate classification (germline): Conflicting classifications of pathogenicity. Review status: criteria provided, conflicting classifications (1 of 4 stars). 4 submissions from 4 submitters: Uncertain significance (2); Likely benign (2). Last evaluated 2025-10-06.

Conditions:
Hereditary breast ovarian cancer syndrome. Also called: Hereditary breast and ovarian cancer; Breast and ovarian cancer; Hereditary breast and/or ovarian cancer syndrome; Hereditary breast and ovarian cancer syndrome; Hereditary breast and ovarian cancer syndrome (HBOC); BRCA1- and BRCA2-Associated Hereditary Breast and Ovarian Cancer. Identifiers: Orphanet 145, MedGen C0677776, MeSH D061325, MONDO:0003582. Disease mechanism: loss of function.
Ataxia-telangiectasia syndrome (AT). Also called: LOUIS-BAR SYNDROME; Cerebello-oculocutaneous telangiectasia; Immunodeficiency with ataxia telangiectasia; Ataxia-telangiectasia, complementation group D; AT, COMPLEMENTATION GROUP C; Ataxia-telangiectasia, complementation group E. Identifiers: Orphanet 100, MedGen C0004135, MONDO:0008840, OMIM 208900.
Familial cancer of breast. Also called: Hereditary breast cancer; BREAST CANCER, FAMILIAL; hereditary breast carcinoma. Identifiers: Orphanet 227535, MedGen C0346153, MONDO:0016419, OMIM 114480. Disease mechanism: loss of function.

Allele frequency attached by ClinVar (database versions not stated): TOPMed below 0.00001; gnomAD exomes below 0.00001; ExAC below 0.00001; gnomAD 0.00001.

Submissions (4):

Labcorp Genetics (formerly Invitae), Labcorp
Classification: Likely benign for Ataxia-telangiectasia syndrome. Last evaluated: 2025-10-06. Review status: criteria provided, single submitter. Criteria: Invitae Variant Classification Sherloc (09022015). Collection method: clinical testing. Allele origin: germline.

Quest Diagnostics Nichols Institute San Juan Capistrano
Classification: Uncertain significance. Last evaluated: 2025-08-25. Review status: criteria provided, single submitter. Criteria: Quest Diagnostics criteria. Collection method: clinical testing. Allele origin: unknown.

Myriad Genetics, Inc.
Classification: Likely benign for Familial cancer of breast. Last evaluated: 2024-06-12. Review status: criteria provided, single submitter. Criteria: Myriad Autosomal Dominant, Autosomal Recessive and X-Linked Classification Criteria (2023). Collection method: clinical testing. Allele origin: unknown.
Comment: This variant is considered likely benign. This variant is intronic and is not expected to impact mRNA splicing.

Pittsburgh Clinical Genomics Laboratory, University of Pittsburgh Medical Center
Classification: Uncertain significance for Hereditary Breast and Ovarian Cancer Syndrome. Last evaluated: 2018-04-16. Review status: criteria provided, single submitter. Criteria: ACMG Guidelines, 2015. Collection method: clinical testing. Allele origin: germline. Affected: yes. Observed: 1 variant allele.
Comment: This sequence variant in ATM results from a duplication of a single nucleotide (dupA) at the -6 position in the splice acceptor region of intron 47. c.6976-6dupA occurs at the border of the polypyrimidine region of the splice site and it is unclear whether it affects splicing. Bioinformatic splicing tools predict no effect on splicing but there is no functional evidence to support this assertion. This rare variant has been reported in gnomAD at a frequency of 0.003% (1/30,976 alleles). It has not been reported to be associated with ataxia telangiectasia or hereditary cancer. c.6976-6dupA has been reported by another laboratory in ClinVar (RSV0004723561) as Likely Benign but the evidence for this assertion is not provided. The clinical significance of this variant is uncertain at this time.